The following is an entry in ClinVar:

ClinVar aggregate classification (germline): Likely pathogenic (1 of 4 stars; one submission).

Submission:

Labcorp Genetics (formerly Invitae), Labcorp
Classification: Likely pathogenic. Last evaluated: 2024-02-05. Review status: criteria provided, single submitter. Criteria: Invitae Variant Classification Sherloc (09022015). Collection method: clinical testing. Allele origin: germline.
Comment: This sequence change affects a splice site in intron 5 of the MME gene. It is expected to disrupt RNA splicing. Variants that disrupt the donor or acceptor splice site typically lead to a loss of protein function (PMID: 16199547), and loss-of-function variants in MME are known to be pathogenic (PMID: 26991897). This variant is not present in population databases (gnomAD no frequency). This variant has not been reported in the literature in individuals affected with MME-related conditions. ClinVar contains an entry for this variant (Variation ID: 2006910). Algorithms developed to predict the effect of sequence changes on RNA splicing suggest that this variant may disrupt the consensus splice site. In summary, the currently available evidence indicates that the variant is pathogenic, but additional data are needed to prove that conclusively. Therefore, this variant has been classified as Likely Pathogenic.

Literature cited by the submitters: PubMed 16199547; PubMed 26991897.

NM_007289.4(MME):c.439+1del

Gene: MME (membrane metalloendopeptidase; plus strand). Cytogenetic location: 3q25.2.
Variant type: Deletion.
Coding change: c.439+1del on transcript NM_007289.4 (MANE Select); the canonical splice donor site of the intron after coding-DNA position 439, one base deleted (G; older notation c.439+1delG).
Molecular consequence: splice donor variant.
Genome position (GRCh38, 1-based): chr3:155,116,560, G deleted. VCF-style (leftmost placement, unchanged base first): chr3-155116559-TG-T. GRCh37 (hg19) VCF-style: chr3-154834348-TG-T.
Other names: c.439+1del (NM_001354642.2, NM_000902.5, NM_007287.4 and 2 more transcripts).
Identifiers: ClinVar variation 2006910 (VCV002006910.4), dbSNP rs2472973234, ClinGen allele CA2580068973.
Genomic context (GRCh38, chr3:155,116,559, plus strand): 5'-ACTGAAGATATAGTAGCAGTGCAGAAAGCAAAAGCATTGTACAGGTCTTGTATAAATGAA[TG>T]TAAGTGCTCTTCATTTGATTTCATTAGGAGTATATATATATATATATTGGTGCCAAACTA-3'